The following is an entry in ClinVar:

NM_000051.4(ATM):c.4632_4635del (p.Lys1543_Tyr1544insTer)

Gene: ATM (ATM serine/threonine kinase; plus strand). Cytogenetic location: 11q22.3.
Variant type: Deletion.
Coding change: c.4632_4635del on transcript NM_000051.4 (MANE Select); coding-DNA positions 4632 to 4635, 4 bases deleted (CTTA; older notation c.4632_4635delCTTA).
Protein change: p.Lys1543_Tyr1544insTer.
Molecular consequence: nonsense.
Genome position (GRCh38, 1-based): chr11:108,293,333-108,293,336, CTTA deleted; deleting any 4 consecutive bases within chr11:108,293,331-108,293,336 gives the same sequence; the c. name uses the placement nearest the transcript's 3' end. VCF-style (leftmost placement, unchanged base first): chr11-108293330-ATACT-A. GRCh37 (hg19) VCF-style: chr11-108164057-ATACT-A.
Other names: c.4632_4635del, p.Lys1543_Tyr1544insTer (NM_001351834.2); c.4632_4635delCTTA (NM_000051.3, NM_000051.4).
Identifiers: ClinVar variation 420011 (VCV000420011.25), dbSNP rs1064794236, ClinGen allele CA16619187.
Genomic context (GRCh38, chr11:108,293,330, plus strand): 5'-TTATTTCTCTCCTTATAATTTTTTCTTTTTAAATTATATTTAGGTATTGGACTTGTTGAA[ATACT>A]TAGTGATAGATAACAAGGATAATGAAAACCTCTATATCACGATTAAGCTTTTAGATCCTT-3'

ClinVar aggregate classification (germline): Pathogenic. Review status: criteria provided, multiple submitters, no conflicts (2 of 4 stars). 9 submissions from 9 submitters: Pathogenic (9). Last evaluated 2025-12-29.

Conditions:
Ataxia-telangiectasia syndrome (AT). Also called: Cerebello-oculocutaneous telangiectasia; Immunodeficiency with ataxia telangiectasia; AT, COMPLEMENTATION GROUP C; LOUIS-BAR SYNDROME; Ataxia telangiectasia (A-T); Ataxia-telangiectasia. Identifiers: Orphanet 100, MedGen C0004135, MONDO:0008840, OMIM 208900.
ATM-related disorder. Also called: ATM-related disorders; ATM-related condition.
Familial cancer of breast. Also called: BREAST CANCER, FAMILIAL; hereditary breast carcinoma; Hereditary breast cancer. Identifiers: Orphanet 227535, MedGen C0346153, MONDO:0016419, OMIM 114480. Disease mechanism: loss of function.
Hereditary cancer-predisposing syndrome. Also called: Tumor predisposition; Hereditary Cancer Syndrome; Hereditary neoplastic syndrome; Neoplastic Syndromes, Hereditary. Identifiers: Orphanet 140162, MedGen C0027672, MeSH D009386, MONDO:0015356.

Submissions (9):

Center for Genomic Medicine, Rigshospitalet, Copenhagen University Hospital
Classification: Pathogenic. Last evaluated: 2025-12-29. Review status: criteria provided, single submitter. Criteria: ACMG Guidelines, 2015. Collection method: clinical testing. Allele origin: germline.
Comment: Classification criteria: PVS1, PM2, PM5

Labcorp Genetics (formerly Invitae), Labcorp
Classification: Pathogenic for Ataxia-telangiectasia syndrome. Last evaluated: 2025-09-18. Review status: criteria provided, single submitter. Criteria: Invitae Variant Classification Sherloc (09022015). Collection method: clinical testing. Allele origin: germline.
Comment: This sequence change creates a premature translational stop signal (p.Tyr1544*) in the ATM gene. It is expected to result in an absent or disrupted protein product. Loss-of-function variants in ATM are known to be pathogenic (PMID: 23807571, 25614872). This variant is not present in population databases (gnomAD no frequency). This premature translational stop signal has been observed in individual(s) with ataxia-telangiectasia (PMID: 9887333, 10980530). This variant is also known as 4630del4. ClinVar contains an entry for this variant (Variation ID: 420011). For these reasons, this variant has been classified as Pathogenic.

Blueprint Genetics
Classification: Pathogenic for ATM-related disorders. Last evaluated: 2024-05-14. Review status: criteria provided, single submitter. Criteria: ACMG Guidelines, 2015. Collection method: clinical testing. Allele origin: germline. Affected: yes. Observed: 1 variant allele.

Myriad Genetics, Inc.
Classification: Pathogenic for Familial cancer of breast. Last evaluated: 2024-01-24. Review status: criteria provided, single submitter. Criteria: Myriad Autosomal Dominant, Autosomal Recessive and X-Linked Classification Criteria (2023). Collection method: clinical testing. Allele origin: unknown.
Comment: This variant is considered pathogenic. This variant creates a termination codon and is predicted to result in premature protein truncation.

Department of Clinical Genetics, Copenhagen University Hospital, Rigshospitalet
Classification: Pathogenic for Ataxia-telangiectasia syndrome. Last evaluated: 2023-11-03. Review status: criteria provided, single submitter. Criteria: ACMG Guidelines, 2015. Collection method: clinical testing. Allele origin: germline. Affected: yes.
Comment: The following ACMG criteria is used: PVS1, PM2_Supporting (not reported in gnomAD), PM3_Supporting (detected in trans with a pathogenic variant). The variant has been described in several patients with with ataxia telangiectasia PMID: 12815592; 9887333; 10980530

Baylor Genetics
Classification: Pathogenic for Familial cancer of breast. Last evaluated: 2023-10-19. Review status: criteria provided, single submitter. Criteria: ACMG Guidelines, 2015. Collection method: clinical testing. Allele origin: unknown.

Ambry Genetics
Classification: Pathogenic for Hereditary cancer-predisposing syndrome. Last evaluated: 2023-03-16. Review status: criteria provided, single submitter. Criteria: Ambry Variant Classification Scheme 2023. Collection method: clinical testing. Allele origin: germline.
Comment: The c.4632_4635delCTTA pathogenic mutation, located in coding exon 30 of the ATM gene, results from a deletion of 4 nucleotides at nucleotide positions 4632 to 4635, causing a translational frameshift with a predicted alternate stop codon (p.Y1544*). This alteration has been reported in multiple individuals with a clinical diagnosis of ataxia telangiectasia (Sandoval N et al. Hum. Mol. Genet. 1999 Jan;8(1):69-79; Laake K et al. Hum. Mutat. 2000 Sep;16(3):232-46). In addition to the clinical data presented in the literature, this alteration is expected to result in loss of function by premature protein truncation or nonsense-mediated mRNA decay. As such, this alteration is interpreted as a disease-causing mutation.

Department of Molecular Diagnostics, Institute of Oncology Ljubljana
Classification: Pathogenic for Familial cancer of breast. Last evaluated: 2020-04-02. Review status: criteria provided, single submitter. Criteria: ACMG Guidelines, 2015. Collection method: clinical testing. Allele origin: germline. Affected: yes.

GeneDx
Classification: Pathogenic. Last evaluated: 2018-01-04. Review status: criteria provided, single submitter. Criteria: GeneDx Variant Classification (06012015). Collection method: clinical testing. Allele origin: germline. Affected: yes.
Comment: This deletion of four nucleotides is denoted ATM c.4632_4635delCTTA at the cDNA level and p.Tyr1544Ter (Y1544X) at the protein level. The normal sequence, with the bases that are deleted in brackets, is AATA[delCTTA]GTGA. The deletion creates a nonsense variant, which changes a Tyrosine to a premature stop codon. This variant is predicted to cause loss of normal protein function through either protein truncation or nonsense-mediated mRNA decay. ATM c.4632_4635delCTTA, previously reported as ATM 4630del4, has been observed in at least three Ataxia-Telangiectasia families, one of which included an observation of this variant in the homozygous state in an individual with Ataxia-Telangiectasia (Sandoval 1999, Laake 2000). This variant is considered likely pathogenic.

Literature cited by the submitters: PubMed 10980530 (cited by 3 submitters); PubMed 23807571 (cited by Labcorp Genetics (formerly Invitae), Labcorp); PubMed 25614872 (cited by Labcorp Genetics (formerly Invitae), Labcorp); PubMed 9887333 (cited by Labcorp Genetics (formerly Invitae), Labcorp and Ambry Genetics).